The following is an entry in ClinVar:

NM_001164508.2(NEB):c.5056A>G (p.Asn1686Asp)

Gene: NEB (nebulin; minus strand). Cytogenetic location: 2q23.3.
Variant type: single nucleotide variant.
Coding change: c.5056A>G on transcript NM_001164508.2 (MANE Select); coding-DNA position 5056, A replaced by G.
Protein change: p.Asn1686Asp; replaces asparagine 1686 with aspartic acid.
Molecular consequence: missense variant.
Genome position (GRCh38, 1-based): chr2:151,665,515, T>C on the plus strand (A>G on the coding strand, the complement: NEB is on the minus strand). VCF-style: chr2-151665515-T-C. GRCh37 (hg19) VCF-style: chr2-152522029-T-C.
Other names: c.5056A>G, p.Asn1686Asp (NM_001164507.2, NM_001271208.2, NM_004543.5); c.5056A>G (NM_004543.4); short protein forms N1686D.
Identifiers: ClinVar variation 1514597 (VCV001514597.6), dbSNP rs369533357, ClinGen allele CA1910458.
Genomic context (GRCh38, chr2:151,665,515, plus strand): 5'-TCTTTGCCTTCTCCACCTCCAGGGACTCTATGGGCACCCAGCCGATCCCTTTCATCCAAT[T>C]GGTGAAGTCAGATTTGTACAGATTCTTTACAATGAGAAAAAAAATTTCATTTCAGAAAGA-3'
Protein context (NP_001157980.2, residues 1676-1696): SDNLYKSDFT[Asn1686Asp]WMKGIGWVPI

ClinVar aggregate classification (germline): Uncertain significance. Review status: criteria provided, multiple submitters, no conflicts (2 of 4 stars). 3 submissions from 3 submitters: Uncertain significance (3). Last evaluated 2021-10-15.

Conditions:
Nemaline myopathy 2 (NEM2). Also called: Nemaline myopathy 2, autosomal recessive. Identifiers: MedGen C1850569, MONDO:0009725, OMIM 256030.
Inborn genetic diseases. Identifiers: MedGen C0950123, MeSH D030342.

Allele frequency attached by ClinVar (database versions not stated): ExAC 0.00001; gnomAD 0.00001; TOPMed 0.00001; gnomAD exomes 0.00002; ESP Exome Variant Server 0.00008.
gnomAD v4.1: 39 of 1,608,764 alleles (0.0024%); highest among the groups gnomAD compares: Non-Finnish European, 0.0031%; no homozygotes.

Submissions (3):

Labcorp Genetics (formerly Invitae), Labcorp
Classification: Uncertain significance for Nemaline myopathy 2. Last evaluated: 2021-10-15. Review status: criteria provided, single submitter. Criteria: Invitae Variant Classification Sherloc (09022015). Collection method: clinical testing. Allele origin: germline.
Comment: This sequence change replaces asparagine with aspartic acid at codon 1686 of the NEB protein (p.Asn1686Asp). The asparagine residue is moderately conserved and there is a small physicochemical difference between asparagine and aspartic acid. This variant is present in population databases (rs369533357, ExAC 0.002%). This variant has not been reported in the literature in individuals with NEB-related conditions. Algorithms developed to predict the effect of missense changes on protein structure and function are either unavailable or do not agree on the potential impact of this missense change (SIFT: "Tolerated"; PolyPhen-2: "Not Available"; Align-GVGD: "Class C0"). In summary, the available evidence is currently insufficient to determine the role of this variant in disease. Therefore, it has been classified as a Variant of Uncertain Significance.

Ambry Genetics
Classification: Uncertain significance for Inborn genetic diseases. Last evaluated: 2021-08-10. Review status: criteria provided, single submitter. Criteria: Ambry Variant Classification Scheme 2023. Collection method: clinical testing. Allele origin: germline.

Revvity Omics, Revvity
Classification: Uncertain significance. Last evaluated: 2021-08-06. Review status: criteria provided, single submitter. Criteria: ACMG Guidelines, 2015. Collection method: clinical testing. Allele origin: germline.